The following is an entry in ClinVar:

NM_177924.5(ASAH1):c.28G>A (p.Val10Ile)

Genes: ASAH1 (N-acylsphingosine amidohydrolase 1; minus strand), LOC129999940 (ATAC-STARR-seq lymphoblastoid silent region 18966; plus strand). Cytogenetic location: 8p22.
Variant type: single nucleotide variant.
Coding change: c.28G>A on transcript NM_177924.5 (MANE Select); coding-DNA position 28, G replaced by A.
Protein change: p.Val10Ile; replaces valine 10 with isoleucine.
Molecular consequence: missense variant. On other transcripts: intron variant (2).
Genome position (GRCh38, 1-based): chr8:18,084,031, C>T on the plus strand (G>A on the coding strand, the complement: ASAH1 is on the minus strand). VCF-style: chr8-18084031-C-T. GRCh37 (hg19) VCF-style: chr8-17941540-C-T.
Other names: c.126+645G>A (NM_004315.6, NM_001127505.3); short protein forms V10I.
Identifiers: ClinVar variation 1381415 (VCV001381415.6), dbSNP rs892578658, ClinGen allele CA173159692.

ClinVar aggregate classification (germline): Uncertain significance (1 of 4 stars; one submission).

Submission:

Labcorp Genetics (formerly Invitae), Labcorp
Classification: Uncertain significance. Last evaluated: 2021-10-22. Review status: criteria provided, single submitter. Criteria: Invitae Variant Classification Sherloc (09022015). Collection method: clinical testing. Allele origin: germline.
Comment: This sequence change replaces valine with isoleucine at codon 10 of the ASAH1 protein (p.Val10Ile). The valine residue is weakly conserved and there is a small physicochemical difference between valine and isoleucine. This variant is not present in population databases (ExAC no frequency). This variant has not been reported in the literature in individuals affected with ASAH1-related conditions. Algorithms developed to predict the effect of missense changes on protein structure and function (SIFT, PolyPhen-2, Align-GVGD) all suggest that this variant is likely to be tolerated. In summary, the available evidence is currently insufficient to determine the role of this variant in disease. Therefore, it has been classified as a Variant of Uncertain Significance.